The following is an entry in ClinVar:

ClinVar aggregate classification (somatic clinical impact): Tier II - Potential (1 of 4 stars; one submission).

Conditions:
Pilocytic astrocytoma. Also called: Pilocytic astrocytoma, somatic. Identifiers: Orphanet 251612, MedGen C0334583, MONDO:0016691, HP:0033680.

Submission:

Institute for Genomic Medicine (IGM) Clinical Laboratory, Nationwide Children's Hospital
Classification: Tier II - Potential for Pilocytic astrocytoma. Assertion type: diagnostic. Clinical significance: supports diagnosis. Last evaluated: 2025-06-23. Review status: criteria provided, single submitter. Criteria: AMP/ASCO/CAP Guidelines, 2017. Collection method: clinical testing. Allele origin: somatic. Affected: yes.
Comment: Variant has Tier II (potential) clinical significance as a diagnostic inclusion criterion in pilocytic astrocytoma, based on the following evidence: 1) Documented in one or more cancer databases (e.g., St. Jude Pecan, COSMIC, CIViC, OncoKB). 2) Information in the literature supports potential biologic effect of variant (PMID: 27273450). 3) Diagnostic significance based on multiple small studies (Evidence Level C).

Literature cited by the submitters: PubMed 27273450.

NM_002880.4(RAF1):c.1171A>T (p.Arg391Trp)

Gene: RAF1 (Raf-1 proto-oncogene, serine/threonine kinase; minus strand). Cytogenetic location: 3p25.2.
Variant type: single nucleotide variant.
Coding change: c.1171A>T on transcript NM_002880.4 (MANE Select); coding-DNA position 1171, A replaced by T.
Protein change: p.Arg391Trp; replaces arginine 391 with tryptophan.
Molecular consequence: missense variant. On other transcripts: non-coding transcript variant (3).
Genome position (GRCh38, 1-based): chr3:12,591,730, T>A on the plus strand (A>T on the coding strand, the complement: RAF1 is on the minus strand). VCF-style: chr3-12591730-T-A. GRCh37 (hg19) VCF-style: chr3-12633229-T-A.
Other names: c.1231A>T, p.Arg411Trp (NM_001354689.3); c.1171A>T, p.Arg391Trp (NM_001354690.3); c.928A>T, p.Arg310Trp (NM_001354691.3, NM_001354692.3); c.1072A>T, p.Arg358Trp (NM_001354693.3); c.988A>T, p.Arg330Trp (NM_001354694.3); c.829A>T, p.Arg277Trp (NM_001354695.3); short protein forms R277W, R310W, R330W, R358W, R391W, R411W.
Identifiers: ClinVar variation 4530307 (VCV004530307.1).